The following is an entry in ClinVar:

ClinVar aggregate classification (germline): Likely benign (1 of 4 stars; one submission).

Conditions:
FMN2-related disorder. Also called: FMN2-related condition.

Submission:

PreventionGenetics, part of Exact Sciences
Classification: Likely benign for FMN2-related condition. Last evaluated: 2024-10-30. Review status: criteria provided, single submitter. Criteria: ACMG Guidelines, 2015. Collection method: clinical testing. Allele origin: germline.
Comment: This variant is classified as likely benign based on ACMG/AMP sequence variant interpretation guidelines (Richards et al. 2015 PMID: 25741868, with internal and published modifications).

NM_020066.5(FMN2):c.3471T>C (p.Leu1157=)

Gene: FMN2 (formin 2; plus strand). Cytogenetic location: 1q43.
Variant type: single nucleotide variant.
Coding change: c.3471T>C on transcript NM_020066.5 (MANE Select); coding-DNA position 3471, T replaced by C.
Protein change: p.Leu1157=; no amino-acid change (leucine 1157 retained).
Molecular consequence: synonymous variant. On other transcripts: intron variant (1).
Genome position (GRCh38, 1-based): chr1:240,208,283, T>C. VCF-style: chr1-240208283-T-C. GRCh37 (hg19) VCF-style: chr1-240371583-T-C.
Other names: c.3483T>C, p.Leu1161= (NM_001305424.2); c.1986+20021T>C (NM_001348094.2).
Identifiers: ClinVar variation 5000939 (VCV005000939.1).